The following is an entry in ClinVar:

NM_000463.3(UGT1A1):c.110G>T (p.Gly37Val)

Genes: UGT1A (UDP glucuronosyltransferase family 1 member A complex locus; plus strand), UGT1A1 (UDP glucuronosyltransferase family 1 member A1; plus strand), UGT1A10 (UDP glucuronosyltransferase family 1 member A10; plus strand), UGT1A3 (UDP glucuronosyltransferase family 1 member A3; plus strand), UGT1A4 (UDP glucuronosyltransferase family 1 member A4; plus strand) and 5 more. Cytogenetic location: 2q37.1.
Variant type: single nucleotide variant.
Coding change: c.110G>T on transcript NM_000463.3 (MANE Select); coding-DNA position 110, G replaced by T.
Protein change: p.Gly37Val; replaces glycine 37 with valine.
Molecular consequence: missense variant. On other transcripts: intron variant (9).
Genome position (GRCh38, 1-based): chr2:233,760,397, G>T. VCF-style: chr2-233760397-G-T. GRCh37 (hg19) VCF-style: chr2-234669043-G-T.
Other names: c.856-6637G>T (NM_019076.5, NM_019075.4, NM_021027.3 and 1 more transcripts); c.61-6637G>T (NM_205862.3); c.862-6637G>T (NM_001072.4); c.868-6637G>T (NM_019078.2, NM_007120.3, NM_019093.4); short protein forms G37V.
Identifiers: ClinVar variation 2734430 (VCV002734430.3), dbSNP rs780016114, ClinGen allele CA2179776.
Genomic context (GRCh38, chr2:233,760,397, plus strand): 5'-TGTGTGTGCTGGGCCCAGTGGTGTCCCATGCTGGGAAGATACTGTTGATCCCAGTGGATG[G>T]CAGCCACTGGCTGAGCATGCTTGGGGCCATCCAGCAGCTGCAGCAGAGGGGACATGAAAT-3'
Protein context (NP_000454.1, residues 27-47): AGKILLIPVD[Gly37Val]SHWLSMLGAI

ClinVar aggregate classification (germline): Uncertain significance (1 of 4 stars; one submission).

Allele frequency attached by ClinVar (database versions not stated): ExAC 0.00001; gnomAD 0.00002; gnomAD exomes 0.00002; TOPMed 0.00004.
gnomAD v4.1: 33 of 1,614,006 alleles (0.002%); highest among the groups gnomAD compares: Non-Finnish European, 0.0027%; no homozygotes.

Submission:

Labcorp Genetics (formerly Invitae), Labcorp
Classification: Uncertain significance. Last evaluated: 2023-03-01. Review status: criteria provided, single submitter. Criteria: Invitae Variant Classification Sherloc (09022015). Collection method: clinical testing. Allele origin: germline.
Comment: This variant is present in population databases (rs780016114, gnomAD 0.002%). This missense change has been observed in individual(s) with UGT1A1-related conditions (PMID: 23290513; Invitae). In at least one individual the data is consistent with being in trans (on the opposite chromosome) from a pathogenic variant. Advanced modeling of protein sequence and biophysical properties (such as structural, functional, and spatial information, amino acid conservation, physicochemical variation, residue mobility, and thermodynamic stability) performed at Invitae indicates that this missense variant is not expected to disrupt UGT1A1 protein function. In summary, the available evidence is currently insufficient to determine the role of this variant in disease. Therefore, it has been classified as a Variant of Uncertain Significance. This sequence change replaces glycine, which is neutral and non-polar, with valine, which is neutral and non-polar, at codon 37 of the UGT1A1 protein (p.Gly37Val).

Literature cited by the submitters: PubMed 23290513.